The following is an entry in ClinVar:

ClinVar aggregate classification (germline): Benign (0 of 4 stars; one submission).

Conditions:
MYOM2-related disorder. Also called: MYOM2-related condition.

Allele frequency attached by ClinVar (database versions not stated): ESP Exome Variant Server 0.00015; gnomAD exomes 0.00069; gnomAD 0.00087; TOPMed 0.00119; ExAC 0.00235; 1000 Genomes Project 30x 0.00422; 1000 Genomes Project 0.00479.
gnomAD v4.1: 1,176 of 1,613,482 alleles (0.073%); highest among the groups gnomAD compares: East Asian, 2.2%; 19 homozygotes.

Submission:

PreventionGenetics, part of Exact Sciences
Classification: Benign for MYOM2-related condition. Last evaluated: 2019-08-09. Review status: no assertion criteria provided. Collection method: clinical testing. Allele origin: germline.
Comment: This variant is classified as benign based on ACMG/AMP sequence variant interpretation guidelines (Richards et al. 2015 PMID: 25741868, with internal and published modifications).

NM_003970.4(MYOM2):c.1180G>A (p.Ala394Thr)

Gene: MYOM2 (myomesin 2; plus strand). Cytogenetic location: 8p23.3.
Variant type: single nucleotide variant.
Coding change: c.1180G>A on transcript NM_003970.4 (MANE Select); coding-DNA position 1180, G replaced by A.
Protein change: p.Ala394Thr; replaces alanine 394 with threonine.
Molecular consequence: missense variant.
Genome position (GRCh38, 1-based): chr8:2,076,200, G>A. VCF-style: chr8-2076200-G-A. GRCh37 (hg19) VCF-style: chr8-2024280-G-A.
Other names: short protein forms A394T.
Identifiers: ClinVar variation 3056904 (VCV003056904.2), dbSNP rs117189614, ClinGen allele CA170449291.